The following is an entry in ClinVar:

ClinVar aggregate classification (germline): Uncertain significance (1 of 4 stars; one submission).

Conditions:
Pigmented paravenous retinochoroidal atrophy. Identifiers: Orphanet 251295, MedGen C1868310, MONDO:0008246, OMIM 172870.

Submission:

Neuberg Centre For Genomic Medicine, NCGM
Classification: Uncertain significance for Pigmented paravenous retinochoroidal atrophy. Last evaluated: 2024-02-01. Review status: criteria provided, single submitter. Criteria: ACMG Guidelines, 2015. Collection method: clinical testing. Allele origin: germline. Inheritance: Autosomal dominant inheritance.
Comment: The missense variant has not been reported previously as a pathogenic variant nor as a benign variant, to our knowledge.

NM_201253.3(CRB1):c.1616G>T (p.Ser539Ile)

Gene: CRB1 (crumbs cell polarity complex component 1; plus strand). Cytogenetic location: 1q31.3.
Variant type: single nucleotide variant.
Coding change: c.1616G>T on transcript NM_201253.3 (MANE Select); coding-DNA position 1616, G replaced by T.
Protein change: p.Ser539Ile; replaces serine 539 with isoleucine.
Molecular consequence: missense variant. On other transcripts: non-coding transcript variant (2).
Genome position (GRCh38, 1-based): chr1:197,421,444, G>T. VCF-style: chr1-197421444-G-T. GRCh37 (hg19) VCF-style: chr1-197390574-G-T.
Other names: c.1280G>T, p.Ser427Ile (NM_001193640.2); c.1409G>T, p.Ser470Ile (NM_001257965.2); c.1616G>T, p.Ser539Ile (NM_001257966.2); short protein forms S427I, S470I, S539I.
Identifiers: ClinVar variation 3898055 (VCV003898055.1).